The following is an entry in ClinVar:

NM_024741.3(ZNF408):c.1052G>T (p.Arg351Leu)

Gene: ZNF408 (zinc finger protein 408; plus strand). Cytogenetic location: 11p11.2.
Variant type: single nucleotide variant.
Coding change: c.1052G>T on transcript NM_024741.3 (MANE Select); coding-DNA position 1052, G replaced by T.
Protein change: p.Arg351Leu; replaces arginine 351 with leucine.
Molecular consequence: missense variant.
Genome position (GRCh38, 1-based): chr11:46,704,752, G>T. VCF-style: chr11-46704752-G-T. GRCh37 (hg19) VCF-style: chr11-46726302-G-T.
Other names: c.1028G>T, p.Arg343Leu (NM_001184751.2); short protein forms R343L, R351L.
Identifiers: ClinVar variation 4696348 (VCV004696348.1).

ClinVar aggregate classification (germline): Uncertain significance (1 of 4 stars; one submission).

gnomAD v4.1: 16 of 1,595,724 alleles (0.001%); highest among the groups gnomAD compares: African/African-American, 0.0013%; no homozygotes.

Submission:

Labcorp Genetics (formerly Invitae), Labcorp
Classification: Uncertain significance. Last evaluated: 2025-11-18. Review status: criteria provided, single submitter. Criteria: Invitae Variant Classification Sherloc (09022015). Collection method: clinical testing. Allele origin: germline.
Comment: This sequence change replaces arginine, which is basic and polar, with leucine, which is neutral and non-polar, at codon 351 of the ZNF408 protein (p.Arg351Leu). This variant is present in population databases (rs143952516, gnomAD 0.008%). This variant has not been reported in the literature in individuals affected with ZNF408-related conditions. An algorithm developed to predict the effect of missense changes on protein structure and function (PolyPhen-2) suggests that this variant is likely to be disruptive. In summary, the available evidence is currently insufficient to determine the role of this variant in disease. Therefore, it has been classified as a Variant of Uncertain Significance.